The following is an entry in ClinVar:

NM_017780.4(CHD7):c.2377-3T>A

Gene: CHD7 (chromodomain helicase DNA binding protein 7; plus strand). Cytogenetic location: 8q12.2.
Variant type: single nucleotide variant.
Coding change: c.2377-3T>A on transcript NM_017780.4 (MANE Select); 3 bases into the intron before coding-DNA position 2377, T replaced by A.
Molecular consequence: intron variant.
Genome position (GRCh38, 1-based): chr8:60,801,525, T>A. VCF-style: chr8-60801525-T-A. GRCh37 (hg19) VCF-style: chr8-61714084-T-A.
Other names: c.1716+20475T>A (NM_001316690.1).
Identifiers: ClinVar variation 1403578 (VCV001403578.5), dbSNP rs545931432, ClinGen allele CA4759701.

ClinVar aggregate classification (germline): Uncertain significance. Review status: criteria provided, multiple submitters, no conflicts (2 of 4 stars). 2 submissions from 2 submitters: Uncertain significance (2). Last evaluated 2024-04-02.

Conditions:
CHARGE syndrome (CHARGE). Also called: Hittner Hirsch Kreh syndrome; CHARGE ASSOCIATION--COLOBOMA, HEART ANOMALY, CHOANAL ATRESIA, RETARDATION, GENITAL AND EAR ANOMALIES; Coloboma, heart anomaly, choanal atresia, retardation, genital and ear anomalies; CHARGE association; Hall-Hittner syndrome. Identifiers: Orphanet 138, MedGen C0265354, MONDO:0008965.

Allele frequency attached by ClinVar (database versions not stated): gnomAD 0.00001; gnomAD exomes 0.00001; 1000 Genomes Project 30x 0.00016; 1000 Genomes Project 0.00020.
gnomAD v4.1: 12 of 1,565,532 alleles (0.00077%); highest among the groups gnomAD compares: Middle Eastern, 0.017%; no homozygotes.

Submissions (2):

Blueprint Genetics
Classification: Uncertain significance. Last evaluated: 2024-04-02. Review status: criteria provided, single submitter. Criteria: ACMG Guidelines, 2015. Collection method: clinical testing. Allele origin: germline.

Labcorp Genetics (formerly Invitae), Labcorp
Classification: Uncertain significance for CHARGE syndrome. Last evaluated: 2022-05-19. Review status: criteria provided, single submitter. Criteria: Invitae Variant Classification Sherloc (09022015). Collection method: clinical testing. Allele origin: germline.
Comment: This sequence change falls in intron 5 of the CHD7 gene. It does not directly change the encoded amino acid sequence of the CHD7 protein. It affects a nucleotide within the consensus splice site. The frequency data for this variant in the population databases is considered unreliable, as metrics indicate poor data quality at this position in the gnomAD database. This variant has not been reported in the literature in individuals affected with CHD7-related conditions. Variants that disrupt the consensus splice site are a relatively common cause of aberrant splicing (PMID: 17576681, 9536098). Algorithms developed to predict the effect of sequence changes on RNA splicing suggest that this variant is not likely to affect RNA splicing. In summary, the available evidence is currently insufficient to determine the role of this variant in disease. Therefore, it has been classified as a Variant of Uncertain Significance.

Literature cited by the submitters: PubMed 17576681 (cited by Labcorp Genetics (formerly Invitae), Labcorp); PubMed 9536098 (cited by Labcorp Genetics (formerly Invitae), Labcorp).